The following is an entry in ClinVar:

NM_152743.4(BRAT1):c.1824A>G (p.Pro608=)

Gene: BRAT1 (BRCA1 associated ATM activator 1; minus strand). Cytogenetic location: 7p22.3.
Variant type: single nucleotide variant.
Coding change: c.1824A>G on transcript NM_152743.4 (MANE Select); coding-DNA position 1824, A replaced by G.
Protein change: p.Pro608=; no amino-acid change (proline 608 retained).
Molecular consequence: synonymous variant. On other transcripts: non-coding transcript variant (1).
Genome position (GRCh38, 1-based): chr7:2,538,711, T>C on the plus strand (A>G on the coding strand, the complement: BRAT1 is on the minus strand). VCF-style: chr7-2538711-T-C. GRCh37 (hg19) VCF-style: chr7-2578345-T-C.
Other names: c.1824A>G (NM_152743.3); c.2004A>G, p.Pro668= (NM_001350626.2); c.1299A>G, p.Pro433= (NM_001350627.2).
Identifiers: ClinVar variation 1644892 (VCV001644892.9), dbSNP rs767575548, ClinGen allele CA4127545.

ClinVar aggregate classification (germline): Likely benign. Review status: criteria provided, multiple submitters, no conflicts (2 of 4 stars). 2 submissions from 2 submitters: Likely benign (2). Last evaluated 2025-10-21.

Conditions:
BRAT1-related disorder. Also called: BRAT1-related disorders; BRAT1-related condition.
Neonatal-onset encephalopathy with rigidity and seizures. Also called: Lethal neonatal spasticity-epileptic encephalopathy syndrome. Identifiers: Orphanet 435845, MedGen C3281029, MONDO:0013784, OMIM 614498.

Allele frequency attached by ClinVar (database versions not stated): gnomAD exomes below 0.00001 and 0.00001; ExAC 0.00001; gnomAD 0.00001; TOPMed 0.00003.
gnomAD v4.1: 5 of 1,598,260 alleles (0.00031%); highest among the groups gnomAD compares: African/African-American, 0.0053%; no homozygotes.

Submissions (2):

Labcorp Genetics (formerly Invitae), Labcorp
Classification: Likely benign for Neonatal-onset encephalopathy with rigidity and seizures. Last evaluated: 2025-10-21. Review status: criteria provided, single submitter. Criteria: Invitae Variant Classification Sherloc (09022015). Collection method: clinical testing. Allele origin: germline.

PreventionGenetics, part of Exact Sciences
Classification: Likely benign for BRAT1-related condition. Last evaluated: 2025-01-04. Review status: criteria provided, single submitter. Criteria: ACMG Guidelines, 2015. Collection method: clinical testing. Allele origin: germline.
Comment: This variant is classified as likely benign based on ACMG/AMP sequence variant interpretation guidelines (Richards et al. 2015 PMID: 25741868, with internal and published modifications).